The following is an entry in ClinVar:

ClinVar aggregate classification (germline): Uncertain significance (1 of 4 stars; one submission).

gnomAD v4.1: 1 of 1,614,194 alleles (0.000062%); highest among the groups gnomAD compares: Non-Finnish European, 0.000085%; no homozygotes.

Submission:

GeneDx
Classification: Uncertain significance. Last evaluated: 2026-02-10. Review status: criteria provided, single submitter. Criteria: GeneDx Variant Classification Process June 2021. Collection method: clinical testing. Allele origin: germline.
Comment: Not observed at significant frequency in large population cohorts (gnomAD); In silico analysis suggests that this missense variant does not alter protein structure/function; Has not been previously published as pathogenic or benign to our knowledge

NM_006922.4(SCN3A):c.2674A>G (p.Ile892Val)

Gene: SCN3A (sodium voltage-gated channel alpha subunit 3; minus strand). Cytogenetic location: 2q24.3.
Variant type: single nucleotide variant.
Coding change: c.2674A>G on transcript NM_006922.4 (MANE Select); coding-DNA position 2674, A replaced by G.
Protein change: p.Ile892Val; replaces isoleucine 892 with valine.
Molecular consequence: missense variant.
Genome position (GRCh38, 1-based): chr2:165,130,188, T>C on the plus strand (A>G on the coding strand, the complement: SCN3A is on the minus strand). VCF-style: chr2-165130188-T-C. GRCh37 (hg19) VCF-style: chr2-165986698-T-C.
Other names: c.2527A>G, p.Ile843Val (NM_001081676.2, NM_001081677.2); short protein forms I843V, I892V.
Identifiers: ClinVar variation 5008096 (VCV005008096.1).
Genomic context (GRCh38, chr2:165,130,188, plus strand): 5'-CACATTCTTTGTAGCTCTTACCAAAGAGCTGCATGCCGACCACAGCAAAAATGAAGACGA[T>C]GATGGCCAACACCAAGGTGAGGTTTCCTAGAGCCCCCACAGAATTGCCAATGATCTTAAT-3'
Protein context (NP_008853.3, residues 882-902): LGNLTLVLAI[Ile892Val]VFIFAVVGMQ